The following is an entry in ClinVar:

ClinVar aggregate classification (germline): Uncertain significance (1 of 4 stars; one submission).

Allele frequency attached by ClinVar (database versions not stated): TOPMed 0.00001.
gnomAD v4.1: 1 of 1,613,946 alleles (0.000062%); no homozygotes.

Submission:

Labcorp Genetics (formerly Invitae), Labcorp
Classification: Uncertain significance. Last evaluated: 2022-10-21. Review status: criteria provided, single submitter. Criteria: Invitae Variant Classification Sherloc (09022015). Collection method: clinical testing. Allele origin: germline.
Comment: This variant has not been reported in the literature in individuals affected with ADGRA3-related conditions. In summary, the available evidence is currently insufficient to determine the role of this variant in disease. Therefore, it has been classified as a Variant of Uncertain Significance. Algorithms developed to predict the effect of missense changes on protein structure and function are either unavailable or do not agree on the potential impact of this missense change (SIFT: "Deleterious"; PolyPhen-2: "Probably Damaging"; Align-GVGD: "Class C0"). This variant is not present in population databases (gnomAD no frequency). This sequence change replaces aspartic acid, which is acidic and polar, with valine, which is neutral and non-polar, at codon 497 of the ADGRA3 protein (p.Asp497Val).

NM_145290.4(ADGRA3):c.1490A>T (p.Asp497Val)

Gene: ADGRA3 (adhesion G protein-coupled receptor A3; minus strand). Cytogenetic location: 4p15.2.
Variant type: single nucleotide variant.
Coding change: c.1490A>T on transcript NM_145290.4 (MANE Select); coding-DNA position 1490, A replaced by T.
Protein change: p.Asp497Val; replaces aspartic acid 497 with valine.
Molecular consequence: missense variant.
Genome position (GRCh38, 1-based): chr4:22,424,306, T>A on the plus strand (A>T on the coding strand, the complement: ADGRA3 is on the minus strand). VCF-style: chr4-22424306-T-A. GRCh37 (hg19) VCF-style: chr4-22425929-T-A.
Other names: short protein forms D497V.
Identifiers: ClinVar variation 1972144 (VCV001972144.5), dbSNP rs1715841920, ClinGen allele CA356481544.